The following is an entry in ClinVar:

NM_004453.4(ETFDH):c.1711G>C (p.Val571Leu)

Gene: ETFDH (electron transfer flavoprotein dehydrogenase; plus strand). Cytogenetic location: 4q32.1.
Variant type: single nucleotide variant.
Coding change: c.1711G>C on transcript NM_004453.4 (MANE Select); coding-DNA position 1711, G replaced by C.
Protein change: p.Val571Leu; replaces valine 571 with leucine.
Molecular consequence: missense variant.
Genome position (GRCh38, 1-based): chr4:158,708,384, G>C. VCF-style: chr4-158708384-G-C. GRCh37 (hg19) VCF-style: chr4-159629536-G-C.
Other names: c.1711G>C (NM_004453.2); c.1570G>C, p.Val524Leu (NM_001281737.2); c.1528G>C, p.Val510Leu (NM_001281738.1); short protein forms V510L, V524L, V571L.
Identifiers: ClinVar variation 2056947 (VCV002056947.3), dbSNP rs370159889, ClinGen allele CA3122706.

ClinVar aggregate classification (germline): Conflicting classifications of pathogenicity. Review status: criteria provided, conflicting classifications (1 of 4 stars). 3 submissions from 3 submitters: Uncertain significance (2); Likely benign (1). Last evaluated 2024-06-03.

Conditions:
Multiple acyl-CoA dehydrogenase deficiency (MADD). Also called: Glutaric Acidemia type 2; Glutaric aciduria, type 2; Glutaric acidemia type II; GA 2; ETHYLMALONIC-ADIPICACIDURIA; GA II. Identifiers: Orphanet 26791, MedGen C0268596, MONDO:0009282, OMIM 231680.
Inborn genetic diseases. Identifiers: MedGen C0950123, MeSH D030342.

Allele frequency attached by ClinVar (database versions not stated): ExAC 0.00001; gnomAD 0.00002; TOPMed 0.00002; ESP Exome Variant Server 0.00008.
gnomAD v4.1: 50 of 1,610,768 alleles (0.0031%); highest among the groups gnomAD compares: Non-Finnish European, 0.0042%; no homozygotes.

Submissions (3):

Ambry Genetics
Classification: Likely benign for Inborn genetic diseases. Last evaluated: 2024-06-03. Review status: criteria provided, single submitter. Criteria: Ambry Variant Classification Scheme 2023. Collection method: clinical testing. Allele origin: germline.

GeneDx
Classification: Uncertain significance. Last evaluated: 2023-08-04. Review status: criteria provided, single submitter. Criteria: GeneDx Variant Classification Process June 2021. Collection method: clinical testing. Allele origin: germline. Affected: yes.
Comment: Not observed at significant frequency in large population cohorts (gnomAD); In silico analysis supports that this missense variant does not alter protein structure/function; Has not been previously published as pathogenic or benign to our knowledge

Labcorp Genetics (formerly Invitae), Labcorp
Classification: Uncertain significance for Multiple acyl-CoA dehydrogenase deficiency. Last evaluated: 2022-03-01. Review status: criteria provided, single submitter. Criteria: Invitae Variant Classification Sherloc (09022015). Collection method: clinical testing. Allele origin: germline.
Comment: This sequence change replaces valine, which is neutral and non-polar, with leucine, which is neutral and non-polar, at codon 571 of the ETFDH protein (p.Val571Leu). This variant is present in population databases (rs370159889, gnomAD 0.003%). This variant has not been reported in the literature in individuals affected with ETFDH-related conditions. Advanced modeling of protein sequence and biophysical properties (such as structural, functional, and spatial information, amino acid conservation, physicochemical variation, residue mobility, and thermodynamic stability) performed at Invitae indicates that this missense variant is not expected to disrupt ETFDH protein function. In summary, the available evidence is currently insufficient to determine the role of this variant in disease. Therefore, it has been classified as a Variant of Uncertain Significance.